The following is an entry in ClinVar:

ClinVar aggregate classification (germline): Uncertain significance (1 of 4 stars; one submission).

Conditions:
Nemaline myopathy 2 (NEM2). Also called: Nemaline myopathy 2, autosomal recessive. Identifiers: MedGen C1850569, MONDO:0009725, OMIM 256030.

Submission:

Labcorp Genetics (formerly Invitae), Labcorp
Classification: Uncertain significance for Nemaline myopathy 2. Last evaluated: 2022-03-06. Review status: criteria provided, single submitter. Criteria: Invitae Variant Classification Sherloc (09022015). Collection method: clinical testing. Allele origin: germline.
Comment: In summary, the available evidence is currently insufficient to determine the role of this variant in disease. Therefore, it has been classified as a Variant of Uncertain Significance. Algorithms developed to predict the effect of missense changes on protein structure and function are either unavailable or do not agree on the potential impact of this missense change (SIFT: "Deleterious"; PolyPhen-2: "Not Available"; Align-GVGD: "Class C0"). This missense change has been observed in individual(s) with congenital nemaline myopathy (PMID: 25740301). In at least one individual the data is consistent with being in trans (on the opposite chromosome) from a pathogenic variant. This variant is not present in population databases (gnomAD no frequency). This sequence change replaces serine, which is neutral and polar, with arginine, which is basic and polar, at codon 7208 of the NEB protein (p.Ser7208Arg).

Literature cited by the submitters: PubMed 25740301.

NM_001164508.2(NEB):c.21519C>A (p.Ser7173Arg)

Genes: NEB (nebulin; minus strand), RIF1 (replication timing regulatory factor 1; plus strand). Cytogenetic location: 2q23.3.
Variant type: single nucleotide variant.
Coding change: c.21519C>A on transcript NM_001164508.2 (MANE Select); coding-DNA position 21519, C replaced by A.
Protein change: p.Ser7173Arg; replaces serine 7173 with arginine.
Molecular consequence: missense variant.
Genome position (GRCh38, 1-based): chr2:151,531,795, G>T on the plus strand (C>A on the coding strand, the complement: NEB is on the minus strand). VCF-style: chr2-151531795-G-T. GRCh37 (hg19) VCF-style: chr2-152388309-G-T.
Other names: c.21519C>A, p.Ser7173Arg (NM_001164507.2); c.21624C>A, p.Ser7208Arg (NM_001271208.2); c.16416C>A, p.Ser5472Arg (NM_004543.5); short protein forms S7208R, S5472R, S7173R.
Identifiers: ClinVar variation 2107367 (VCV002107367.4), dbSNP rs16830170, ClinGen allele CA348770428.